The following is an entry in ClinVar:

ClinVar aggregate classification (germline): Likely benign. Review status: criteria provided, multiple submitters, no conflicts (2 of 4 stars). 8 submissions from 8 submitters: Likely benign (6). 2 of the submissions do not count toward it. Last evaluated 2025-06-10.

Conditions:
Inborn genetic diseases. Identifiers: MedGen C0950123, MeSH D030342.
Creatine transporter deficiency (CCDS1). Also called: Creatine Transporter (CRTR) Deficiency; Mental retardation , X-linked with seizures, short stature and midface hypoplasia; Mental retardation , X-linked, with creatine transport deficiency; X-linked creatine transporter deficiency; X-linked creatine deficiency syndrome; CEREBRAL CREATINE DEFICIENCY SYNDROME 1. Identifiers: Orphanet 52503, MedGen C1845862, MONDO:0010305, OMIM 300352.

Allele frequency attached by ClinVar (database versions not stated): ExAC 0.00003; gnomAD 0.00005 and 0.00006; gnomAD exomes 0.00005 and 0.00009; ESP Exome Variant Server 0.00009; TOPMed 0.00009.
gnomAD v4.1: 107 of 1,209,323 alleles (0.0088%); highest among the groups gnomAD compares: Middle Eastern, 0.023%; no homozygotes.

Submissions (8):

Labcorp Genetics (formerly Invitae), Labcorp
Classification: Likely benign for Creatine transporter deficiency. Last evaluated: 2025-06-10. Review status: criteria provided, single submitter. Criteria: Invitae Variant Classification Sherloc (09022015). Collection method: clinical testing. Allele origin: germline.

CeGaT Center for Human Genetics Tuebingen
Classification: Likely benign. Last evaluated: 2024-08-01. Review status: criteria provided, single submitter. Criteria: CeGaT Center For Human Genetics Tuebingen Variant Classification Criteria Version 2. Collection method: clinical testing. Allele origin: germline. Affected: yes. Observed: 3 variant alleles.
Comment: SLC6A8: BP4, BS2

Blueprint Genetics
Classification: Likely benign. Last evaluated: 2024-04-15. Review status: criteria provided, single submitter. Criteria: ACMG Guidelines, 2015. Collection method: clinical testing. Allele origin: germline.

GeneDx
Classification: Likely benign. Last evaluated: 2020-02-27. Review status: criteria provided, single submitter. Criteria: GeneDx Variant Classification Process June 2021. Collection method: clinical testing. Allele origin: germline. Affected: yes.

Ambry Genetics
Classification: Likely benign for Inborn genetic diseases. Last evaluated: 2017-10-20. Review status: criteria provided, single submitter. Criteria: Ambry Variant Classification Scheme 2023. Collection method: clinical testing. Allele origin: germline.

Genetic Services Laboratory, University of Chicago
Classification: Likely benign. Last evaluated: 2016-06-02. Review status: criteria provided, single submitter. Criteria: ACMG Guidelines, 2015. Collection method: clinical testing. Allele origin: germline. Affected: no.

Diagnostic Laboratory, Department of Genetics, University Medical Center Groningen
Classification: Likely benign. Review status: no assertion criteria provided. Collection method: clinical testing. Allele origin: germline. Affected: yes. Study: VKGL Data-share Consensus. Not counted in ClinVar's aggregate classification.

Genome Diagnostics Laboratory, University Medical Center Utrecht
Classification: Likely benign. Review status: no assertion criteria provided. Collection method: clinical testing. Allele origin: germline. Affected: yes. Study: VKGL Data-share Consensus. Not counted in ClinVar's aggregate classification.

NM_005629.4(SLC6A8):c.1038C>T (p.Leu346=)

Gene: SLC6A8 (solute carrier family 6 member 8; plus strand). Cytogenetic location: Xq28.
Variant type: single nucleotide variant.
Coding change: c.1038C>T on transcript NM_005629.4 (MANE Select); coding-DNA position 1038, C replaced by T.
Protein change: p.Leu346=; no amino-acid change (leucine 346 retained).
Molecular consequence: synonymous variant. On other transcripts: intron variant (1).
Genome position (GRCh38, 1-based): chrX:153,693,483, C>T. VCF-style: chrX-153693483-C-T. GRCh37 (hg19) VCF-style: chrX-152958938-C-T.
Other names: c.693C>T, p.Leu231= (NM_001142806.1); c.1017-9C>T (NM_001142805.2).
Identifiers: ClinVar variation 436769 (VCV000436769.45), dbSNP rs369716393, ClinGen allele CA10549410.